The following is an entry in ClinVar:

NM_032578.4(MYPN):c.1974-3C>A

Gene: MYPN (myopalladin; plus strand). Cytogenetic location: 10q21.3.
Variant type: single nucleotide variant.
Coding change: c.1974-3C>A on transcript NM_032578.4 (MANE Select); 3 bases into the intron before coding-DNA position 1974, C replaced by A.
Molecular consequence: intron variant.
Genome position (GRCh38, 1-based): chr10:68,174,063, C>A. VCF-style: chr10-68174063-C-A. GRCh37 (hg19) VCF-style: chr10-69933820-C-A.
Other names: c.1974-3C>A (NM_001256267.2); c.1092-3C>A (NM_001256268.2).
Identifiers: ClinVar variation 1314354 (VCV001314354.2), dbSNP rs372624030, ClinGen allele CA1917219298.

ClinVar aggregate classification (germline): Uncertain significance (1 of 4 stars; one submission).

Submission:

GeneDx
Classification: Uncertain significance. Last evaluated: 2021-04-26. Review status: criteria provided, single submitter. Criteria: GeneDx Variant Classification Process June 2021. Collection method: clinical testing. Allele origin: germline. Affected: yes.
Comment: Has not been previously published as pathogenic or benign to our knowledge; Not observed in large population cohorts (Lek et al., 2016); In-silico analysis, which includes splice predictors and evolutionary conservation, is inconclusive as to whether the variant alters gene splicing. In the absence of RNA/functional studies, the actual effect of this sequence change is unknown.